The following is an entry in ClinVar:

ClinVar aggregate classification (germline): Uncertain significance. Review status: criteria provided, multiple submitters, no conflicts (2 of 4 stars). 2 submissions from 2 submitters: Uncertain significance (2). Last evaluated 2025-05-14.

Conditions:
Inborn genetic diseases. Identifiers: MedGen C0950123, MeSH D030342.

Allele frequency attached by ClinVar (database versions not stated): gnomAD 0.00005; ESP Exome Variant Server 0.00008; TOPMed 0.00005; ExAC 0.00002; gnomAD exomes 0.00003.
gnomAD v4.1: 43 of 1,604,870 alleles (0.0027%); highest among the groups gnomAD compares: Non-Finnish European, 0.0035%; no homozygotes.

Submissions (2):

Ambry Genetics
Classification: Uncertain significance for Inborn genetic diseases. Last evaluated: 2025-05-14. Review status: criteria provided, single submitter. Criteria: Ambry Variant Classification Scheme 2023. Collection method: clinical testing. Allele origin: germline.

Labcorp Genetics (formerly Invitae), Labcorp
Classification: Uncertain significance. Last evaluated: 2022-04-09. Review status: criteria provided, single submitter. Criteria: Invitae Variant Classification Sherloc (09022015). Collection method: clinical testing. Allele origin: germline.
Comment: This sequence change replaces proline, which is neutral and non-polar, with serine, which is neutral and polar, at codon 511 of the PAX1 protein (p.Pro511Ser). This variant is present in population databases (rs374816772, gnomAD 0.004%). This variant has not been reported in the literature in individuals affected with PAX1-related conditions. Algorithms developed to predict the effect of missense changes on protein structure and function output the following: SIFT: "Tolerated"; PolyPhen-2: "Benign"; Align-GVGD: "Class C0". The serine amino acid residue is found in multiple mammalian species, which suggests that this missense change does not adversely affect protein function. In summary, the available evidence is currently insufficient to determine the role of this variant in disease. Therefore, it has been classified as a Variant of Uncertain Significance.

NM_001257096.2(PAX1):c.*167C>T

Gene: PAX1 (paired box 1; plus strand). Cytogenetic location: 20p11.22.
Variant type: single nucleotide variant.
Coding change: c.*167C>T on transcript NM_001257096.2 (MANE Select); 167 bases downstream of the stop codon, C replaced by T.
Molecular consequence: 3 prime UTR variant. On other transcripts: missense variant (1).
Genome position (GRCh38, 1-based): chr20:21,714,729, C>T. VCF-style: chr20-21714729-C-T. GRCh37 (hg19) VCF-style: chr20-21695367-C-T.
Other names: c.1531C>T, p.Pro511Ser (NM_006192.5); short protein forms P511S.
Identifiers: ClinVar variation 1933141 (VCV001933141.4), dbSNP rs374816772, ClinGen allele CA9786822.
Genomic context (GRCh38, chr20:21,714,729, plus strand): 5'-GCGGAGGAGGAAGCCAGTGCCGGCCCGCGGGGTGCACGCCCAGCCAGCCCCCAGGCCCAG[C>T]CCTGCCTCTGGCCGGACCCACCACACTTCCTTTATTGGTCTGGGTTTTTAGGCTTCTCTG-3'